The following is an entry in ClinVar:

NM_201384.3(PLEC):c.5549C>T (p.Thr1850Met)

Gene: PLEC (plectin; minus strand). Cytogenetic location: 8q24.3.
Variant type: single nucleotide variant.
Coding change: c.5549C>T on transcript NM_201384.3 (MANE Select); coding-DNA position 5549, C replaced by T.
Protein change: p.Thr1850Met; replaces threonine 1850 with methionine.
Molecular consequence: missense variant.
Genome position (GRCh38, 1-based): chr8:143,924,380, G>A on the plus strand (C>T on the coding strand, the complement: PLEC is on the minus strand). VCF-style: chr8-143924380-G-A. GRCh37 (hg19) VCF-style: chr8-144998548-G-A.
Other names: c.5630C>T, p.Thr1877Met (NM_000445.5); c.5507C>T, p.Thr1836Met (NM_201378.4); c.5483C>T, p.Thr1828Met (NM_201379.3); c.5960C>T, p.Thr1987Met (NM_201380.4); c.5453C>T, p.Thr1818Met (NM_201381.3); c.5549C>T, p.Thr1850Met (NM_201382.4); c.5561C>T, p.Thr1854Met (NM_201383.3); c.5630C>T (NM_000445.3); short protein forms T1818M, T1828M, T1836M, T1850M, T1854M, T1877M, T1987M.
Identifiers: ClinVar variation 500680 (VCV000500680.18), dbSNP rs534267486, ClinGen allele CA4926331.
Genomic context (GRCh38, chr8:143,924,380, plus strand): 5'-GCCAGCCGCCGCAGGCGCTCGTTCTCCGCCTCCTTCTCCTTGAGCGCGATCTCCGCCTCC[G>A]TCTTGAGCCGCGTGGCCTCGCCGATGGCGGCCAGCTTCTCCGCAAGCACCCGCTCCGCCT-3'
Protein context (NP_958786.1, residues 1840-1860): AAIGEATRLK[Thr1850Met]EAEIALKEKE

ClinVar aggregate classification (germline): Uncertain significance. Review status: criteria provided, multiple submitters, no conflicts (2 of 4 stars). 6 submissions from 6 submitters: Uncertain significance (6). Last evaluated 2026-09-14.

Conditions:
Autosomal recessive limb-girdle muscular dystrophy type 2Q (LGMDR17). Also called: MUSCULAR DYSTROPHY, LIMB-GIRDLE, AUTOSOMAL RECESSIVE 17. Identifiers: Orphanet 254361, MedGen C3150989, MONDO:0013390, OMIM 613723.
Epidermolysis bullosa simplex 5B, with muscular dystrophy (EBS5B). Also called: EPIDERMOLYSIS BULLOSA SIMPLEX AND LIMB-GIRDLE MUSCULAR DYSTROPHY; Epidermolysis bullosa simplex with muscular dystrophy. Identifiers: Orphanet 257, MedGen C2931072, MONDO:0009181, OMIM 226670.
Epidermolysis bullosa simplex, Ogna type (EBS5A). Also called: Pidermolysis bullosa simplex 5A, Ogna type; EPIDERMOLYSIS BULLOSA SIMPLEX 5A, OGNA TYPE. Identifiers: Orphanet 79401, MedGen C0432317, MONDO:0007555, OMIM 131950.
Epidermolysis bullosa simplex with nail dystrophy (EBS5D). Identifiers: MedGen C4225309, MONDO:0014661, OMIM 616487.
Epidermolysis bullosa simplex 5C, with pyloric atresia (EBS5C). Also called: PLEC-Related Epidermolysis Bullosa with Pyloric Atresia; Epidermolysis bullosa simplex with pyloric atresia; PLEC1-Related Epidermolysis Bullosa with Pyloric Atresia. Identifiers: Orphanet 158684, MedGen C2677349, MONDO:0012807, OMIM 612138.
PLEC-related disorder. Also called: PLEC-related disorders; PLEC-related condition.
Inborn genetic diseases. Identifiers: MedGen C0950123, MeSH D030342.

Allele frequency attached by ClinVar (database versions not stated): gnomAD 0.00003; TOPMed 0.00007; ExAC 0.00008; gnomAD exomes 0.00009 and 0.00011; 1000 Genomes Project 30x 0.00016; 1000 Genomes Project 0.00020.
gnomAD v4.1: 158 of 1,596,146 alleles (0.0099%); highest among the groups gnomAD compares: Admixed American, 0.018%; no homozygotes.

Submissions (6):

PreventionGenetics, part of Exact Sciences
Classification: Uncertain significance for PLEC-related condition. Last evaluated: 2026-09-14. Review status: criteria provided, single submitter. Criteria: ACMG Guidelines, 2015. Collection method: clinical testing. Allele origin: germline.
Comment: The PLEC c.5630C>T variant is predicted to result in the amino acid substitution p.Thr1877Met. To our knowledge, this variant has not been reported in the literature. This variant is reported in 0.032% of alleles in individuals of Latino descent in gnomAD. At this time, the clinical significance of this variant is uncertain due to the absence of conclusive functional and genetic evidence.

Labcorp Genetics (formerly Invitae), Labcorp
Classification: Uncertain significance for Autosomal recessive limb-girdle muscular dystrophy type 2Q; Epidermolysis bullosa simplex, Ogna type; Epidermolysis bullosa simplex with nail dystrophy; Epidermolysis bullosa simplex 5C, with pyloric atresia; Epidermolysis bullosa simplex 5B, with muscular dystrophy. Last evaluated: 2026-01-22. Review status: criteria provided, single submitter. Criteria: Invitae Variant Classification Sherloc (09022015). Collection method: clinical testing. Allele origin: germline.
Comment: This sequence change replaces threonine, which is neutral and polar, with methionine, which is neutral and non-polar, at codon 1877 of the PLEC protein (p.Thr1877Met). This variant is present in population databases (rs534267486, gnomAD 0.03%). This variant has not been reported in the literature in individuals affected with PLEC-related conditions. ClinVar contains an entry for this variant (Variation ID: 500680). Experimental studies and prediction algorithms are not available or were not evaluated, and the functional significance of this variant is currently unknown. In summary, the available evidence is currently insufficient to determine the role of this variant in disease. Therefore, it has been classified as a Variant of Uncertain Significance.

Ambry Genetics
Classification: Uncertain significance for Inborn genetic diseases. Last evaluated: 2024-04-09. Review status: criteria provided, single submitter. Criteria: Ambry Variant Classification Scheme 2023. Collection method: clinical testing. Allele origin: germline.

Revvity Omics, Revvity
Classification: Uncertain significance. Last evaluated: 2022-05-12. Review status: criteria provided, single submitter. Criteria: ACMG Guidelines, 2015. Collection method: clinical testing. Allele origin: germline.

Genomic Research Center, Shahid Beheshti University of Medical Sciences
Classification: Uncertain significance. Last evaluated: 2018-08-07. Review status: criteria provided, single submitter. Criteria: ACMG Guidelines, 2015. Collection method: clinical testing. Allele origin: inherited. Affected: no. Observed: 1 variant allele.

Eurofins Ntd Llc (ga)
Classification: Uncertain significance. Last evaluated: 2017-12-11. Review status: criteria provided, single submitter. Criteria: EGL Classification Definitions 2015. Collection method: clinical testing. Allele origin: germline. Observed: 3 variant alleles, 3 heterozygotes.